The following is an entry in ClinVar:

NM_000214.3(JAG1):c.1412A>G (p.Tyr471Cys)

Gene: JAG1 (jagged canonical Notch ligand 1; minus strand). Cytogenetic location: 20p12.2.
Variant type: single nucleotide variant.
Coding change: c.1412A>G on transcript NM_000214.3 (MANE Select); coding-DNA position 1412, A replaced by G.
Protein change: p.Tyr471Cys; replaces tyrosine 471 with cysteine.
Molecular consequence: missense variant.
Genome position (GRCh38, 1-based): chr20:10,648,706, T>C on the plus strand (A>G on the coding strand, the complement: JAG1 is on the minus strand). VCF-style: chr20-10648706-T-C. GRCh37 (hg19) VCF-style: chr20-10629354-T-C.
Other names: short protein forms Y471C.
Identifiers: ClinVar variation 4746335 (VCV004746335.1).
Genomic context (GRCh38, chr20:10,648,706, plus strand): 5'-CATTCATCGATGTCTCTCTCACAGTGATCGCCTGCATAGCCAGGTGGACAGATACAGCGA[T>C]AACCATTAACCAAATCCTAGAAGAGGAGAAGGGGAGAGAGAGACACATGCTTTTTTTCTA-3'
Protein context (NP_000205.1, residues 461-481): DASCRDLVNG[Tyr471Cys]RCICPPGYAG

ClinVar aggregate classification (germline): Uncertain significance (1 of 4 stars; one submission).

Conditions:
Alagille syndrome due to a JAG1 point mutation. Also called: HEPATIC DUCTULAR HYPOPLASIA, SYNDROMATIC; Alagille Syndrome 1; JAG1-Related Alagille Syndrome. Identifiers: Orphanet 261619, Orphanet 52, MedGen C1956125, MONDO:0016862, OMIM 118450.

gnomAD v4.1: 2 of 1,614,200 alleles (0.00012%); highest among the groups gnomAD compares: Non-Finnish European, 0.000085%; no homozygotes.

Submission:

Labcorp Genetics (formerly Invitae), Labcorp
Classification: Uncertain significance for Alagille syndrome due to a JAG1 point mutation. Last evaluated: 2025-05-13. Review status: criteria provided, single submitter. Criteria: Invitae Variant Classification Sherloc (09022015). Collection method: clinical testing. Allele origin: germline.
Comment: This sequence change replaces tyrosine, which is neutral and polar, with cysteine, which is neutral and slightly polar, at codon 471 of the JAG1 protein (p.Tyr471Cys). This variant is present in population databases (no rsID available, gnomAD 0.0009%). This variant has not been reported in the literature in individuals affected with JAG1-related conditions. Invitae Evidence Modeling of protein sequence and biophysical properties (such as structural, functional, and spatial information, amino acid conservation, physicochemical variation, residue mobility, and thermodynamic stability) has been performed for this missense variant. However, the output from this modeling did not meet the statistical confidence thresholds required to predict the impact of this variant on JAG1 protein function. In summary, the available evidence is currently insufficient to determine the role of this variant in disease. Therefore, it has been classified as a Variant of Uncertain Significance.